The following is an entry in ClinVar:

NM_183357.3(ADCY5):c.2272GAC[1] (p.Asp759del)

Gene: ADCY5 (adenylate cyclase 5; minus strand). Cytogenetic location: 3q21.1.
Variant type: Microsatellite.
Coding change: c.2272GAC[1] on transcript NM_183357.3 (MANE Select); one copy of the 3-base unit GAC starting at c.2272; the reference has two copies in a row; one copy, 3 bases deleted.
Protein change: p.Asp759del; deletes aspartic acid 759.
Molecular consequence: inframe deletion.
Genome position (GRCh38, 1-based): chr3:123,318,097-123,318,099, GTC deleted on the plus strand (GAC on the coding strand, the reverse complement: ADCY5 is on the minus strand); deleting any 3 consecutive bases within chr3:123,318,097-123,318,102 gives the same sequence; the position shown is the placement nearest the transcript's 3' end. VCF-style (leftmost placement, unchanged base first): chr3-123318096-GGTC-G. GRCh37 (hg19) VCF-style: chr3-123036943-GGTC-G.
Other names: c.1222GAC[1], p.Asp409del (NM_001199642.1); c.2272GAC[1], p.Asp759del (NM_001378259.1); c.2275_2277delGAC (NM_183357.3); short protein forms D409del, D759del.
Identifiers: ClinVar variation 1453013 (VCV001453013.11), dbSNP rs780518999, ClinGen allele CA2577186.

ClinVar aggregate classification (germline): Conflicting classifications of pathogenicity. Review status: criteria provided, conflicting classifications (1 of 4 stars). 5 submissions from 5 submitters: Uncertain significance (3); Likely benign (2). Last evaluated 2026-06-02.

Conditions:
Dyskinesia with orofacial involvement, autosomal dominant (DSKOD). Also called: Dyskinesia, familial, with facial myokymia; Familial Dyskinesia with Facial Myokymia (FDFM); Familial dyskinesia and facial myokymia. Identifiers: Orphanet 324588, MedGen C1847627, MONDO:0800028, OMIM 606703.
ADCY5-related disorder. Also called: ADCY5-related condition.
Inborn genetic diseases. Identifiers: MedGen C0950123, MeSH D030342.

Submissions (5):

Women's Health and Genetics/Laboratory Corporation of America, LabCorp
Classification: Likely benign. Last evaluated: 2026-06-02. Review status: criteria provided, single submitter. Criteria: LabCorp Variant Classification Summary - May 2015. Collection method: clinical testing. Allele origin: germline.
Comment: Variant summary: ADCY5 c.2275_2277delGAC (p.Asp759del) results in an in-frame deletion that is predicted to remove *** amino acids from the encoded protein. The variant allele was found at a frequency of 0.00024 in 251202 control chromosomes, predominantly at a frequency of 0.00047 within the Non-Finnish European subpopulation in the gnomAD database. The observed variant frequency within Non-Finnish European control individuals in the gnomAD database exceeds the estimated maximal expected allele frequency for disease-causing variants in ADCY5. To our knowledge, no occurrence of c.2275_2277delGAC in individuals affected with ADCY5-related conditions and no experimental evidence demonstrating its impact on protein function have been reported. ClinVar contains an entry for this variant (Variation ID: 1453013). Based on the evidence outlined above, the variant was classified as likely benign.

Labcorp Genetics (formerly Invitae), Labcorp
Classification: Likely benign. Last evaluated: 2025-06-25. Review status: criteria provided, single submitter. Criteria: Invitae Variant Classification Sherloc (09022015). Collection method: clinical testing. Allele origin: germline.

PreventionGenetics, part of Exact Sciences
Classification: Uncertain significance for ADCY5-related condition. Last evaluated: 2023-02-03. Review status: criteria provided, single submitter. Criteria: ACMG Guidelines, 2015. Collection method: clinical testing. Allele origin: germline.
Comment: The ADCY5 c.2275_2277delGAC variant is predicted to result in an in-frame deletion (p.Asp759del). To our knowledge, this variant has not been reported in the literature. This variant is reported in 0.046% of alleles in individuals of European (Non-Finnish) descent in gnomAD. Although we suspect that this variant may be benign, at this time, the clinical significance of this variant is uncertain due to the absence of conclusive functional and genetic evidence.

Department of Pathology and Laboratory Medicine, Sinai Health System
Classification: Uncertain significance for dyskinesia with orofacial involvement, autosomal dominant. Last evaluated: 2021-07-30. Review status: criteria provided, single submitter. Criteria: ACMG Guidelines, 2015. Collection method: research. Allele origin: germline.

Ambry Genetics
Classification: Uncertain significance for Inborn genetic diseases. Last evaluated: 2021-05-17. Review status: criteria provided, single submitter. Criteria: Ambry Variant Classification Scheme 2023. Collection method: clinical testing. Allele origin: germline.
Comment: Unlikely to be causative of ADCY5-related hyperkinesia (AD) Based on insufficient or conflicting evidence, the clinical significance of this alteration remains unclear.